The following is an entry in ClinVar:

ClinVar aggregate classification (germline): Pathogenic. Review status: criteria provided, multiple submitters, no conflicts (2 of 4 stars). 2 submissions from 2 submitters: Pathogenic (2). Last evaluated 2023-09-19.

Conditions:
Hereditary cancer-predisposing syndrome. Also called: Neoplastic Syndromes, Hereditary; Tumor predisposition; Hereditary Cancer Syndrome; Hereditary neoplastic syndrome. Identifiers: Orphanet 140162, MedGen C0027672, MeSH D009386, MONDO:0015356.
Lynch syndrome 4 (LYNCH4). Also called: Colorectal cancer, hereditary nonpolyposis, type 4; Hereditary non-polyposis colorectal cancer, type 4. Identifiers: Orphanet 144, MedGen C1838333, MONDO:0013699, OMIM 614337. Disease mechanism: loss of function.

Submissions (2):

Myriad Genetics, Inc.
Classification: Pathogenic for Lynch syndrome 4. Last evaluated: 2023-09-19. Review status: criteria provided, single submitter. Criteria: Myriad Autosomal Dominant, Autosomal Recessive and X-Linked Classification Criteria (2023). Collection method: clinical testing. Allele origin: unknown.
Comment: This variant is considered pathogenic. This variant creates a termination codon and is predicted to result in premature protein truncation.

Ambry Genetics
Classification: Pathogenic for Hereditary cancer-predisposing syndrome. Last evaluated: 2021-09-07. Review status: criteria provided, single submitter. Criteria: Ambry Variant Classification Scheme 2023. Collection method: clinical testing. Allele origin: germline.
Comment: The p.Y255* pathogenic mutation (also known as c.765C>G), located in coding exon 7 of the PMS2 gene, results from a C to G substitution at nucleotide position 765. This changes the amino acid from a tyrosine to a stop codon within coding exon 7. This alteration has been reported in multiple individuals diagnosed with colorectal cancer (Yurgelun MB et al. J Clin Oncol, 2017 Apr;35:1086-1095; Wang Q et al. J Med Genet, 2020 07;57:487-499). This variant is considered to be rare based on population cohorts in the Genome Aggregation Database (gnomAD). In addition to the clinical data presented in the literature, this alteration is expected to result in loss of function by premature protein truncation or nonsense-mediated mRNA decay. As such, this alteration is interpreted as a disease-causing mutation.

Literature cited by the submitters: PubMed 28135145 (cited by Ambry Genetics); PubMed 31992580 (cited by Ambry Genetics).

NM_000535.7(PMS2):c.765C>G (p.Tyr255Ter)

Gene: PMS2 (PMS1 homolog 2, mismatch repair system component; minus strand). Cytogenetic location: 7p22.1.
Variant type: single nucleotide variant.
Coding change: c.765C>G on transcript NM_000535.7 (MANE Select); coding-DNA position 765, C replaced by G.
Protein change: p.Tyr255Ter; replaces tyrosine 255 with a stop codon.
Molecular consequence: nonsense. On other transcripts: 5 prime UTR variant (2), non-coding transcript variant (1).
Genome position (GRCh38, 1-based): chr7:5,997,364, G>C on the plus strand (C>G on the coding strand, the complement: PMS2 is on the minus strand). VCF-style: chr7-5997364-G-C. GRCh37 (hg19) VCF-style: chr7-6036995-G-C.
Other names: c.360C>G, p.Tyr120Ter (NM_001018040.1, NM_001322003.2, NM_001322004.2 and 20 more transcripts); c.765C>G, p.Tyr255Ter (NM_001322006.2, NM_001322014.2, NM_001406870.1 and 3 more transcripts); c.447C>G, p.Tyr149Ter (NM_001322007.2, NM_001322008.2, NM_001406876.1 and 4 more transcripts); c.-169C>G (NM_001322011.2, NM_001322012.2); c.192C>G, p.Tyr64Ter (NM_001322013.2, NM_001406909.1); c.456C>G, p.Tyr152Ter (NM_001322015.2, NM_001406875.1, NM_001406877.1 and 6 more transcripts); c.951C>G, p.Tyr317Ter (NM_001406866.1); c.789C>G, p.Tyr263Ter (NM_001406868.1); and 4 more; short protein forms Y143*, Y149*, Y64*, Y120*, Y152*, Y263*, Y199*, Y219*.
Identifiers: ClinVar variation 1760004 (VCV001760004.3), dbSNP rs573125799, ClinGen allele CA366743679.